The following is an entry in ClinVar:

NM_024747.6(HPS6):c.529A>G (p.Ser177Gly)

Gene: HPS6 (HPS6 biogenesis of lysosomal organelles complex 2 subunit 3; plus strand). Cytogenetic location: 10q24.32.
Variant type: single nucleotide variant.
Coding change: c.529A>G on transcript NM_024747.6 (MANE Select); coding-DNA position 529, A replaced by G.
Protein change: p.Ser177Gly; replaces serine 177 with glycine.
Molecular consequence: missense variant.
Genome position (GRCh38, 1-based): chr10:102,066,003, A>G. VCF-style: chr10-102066003-A-G. GRCh37 (hg19) VCF-style: chr10-103825760-A-G.
Other names: short protein forms S177G.
Identifiers: ClinVar variation 1901990 (VCV001901990.4), dbSNP rs570427217, ClinGen allele CA5659797.

ClinVar aggregate classification (germline): Uncertain significance (1 of 4 stars; one submission).

Allele frequency attached by ClinVar (database versions not stated): gnomAD exomes below 0.00001; gnomAD 0.00001; TOPMed 0.00001; ExAC 0.00002; 1000 Genomes Project 30x 0.00016; 1000 Genomes Project 0.00020.
gnomAD v4.1: 3 of 1,603,172 alleles (0.00019%); highest among the groups gnomAD compares: Admixed American, 0.005%; no homozygotes.

Submission:

Labcorp Genetics (formerly Invitae), Labcorp
Classification: Uncertain significance. Last evaluated: 2025-05-07. Review status: criteria provided, single submitter. Criteria: Invitae Variant Classification Sherloc (09022015). Collection method: clinical testing. Allele origin: germline.
Comment: This sequence change replaces serine, which is neutral and polar, with glycine, which is neutral and non-polar, at codon 177 of the HPS6 protein (p.Ser177Gly). This variant is present in population databases (rs570427217, gnomAD 0.006%). This variant has not been reported in the literature in individuals affected with HPS6-related conditions. ClinVar contains an entry for this variant (Variation ID: 1901990). Invitae Evidence Modeling of protein sequence and biophysical properties (such as structural, functional, and spatial information, amino acid conservation, physicochemical variation, residue mobility, and thermodynamic stability) indicates that this missense variant is not expected to disrupt HPS6 protein function with a negative predictive value of 80%. In summary, the available evidence is currently insufficient to determine the role of this variant in disease. Therefore, it has been classified as a Variant of Uncertain Significance.